The following is an entry in ClinVar:

NM_015570.4(AUTS2):c.988G>A (p.Ala330Thr)

Gene: AUTS2 (activator of transcription and developmental regulator AUTS2; plus strand). Cytogenetic location: 7q11.22.
Variant type: single nucleotide variant.
Coding change: c.988G>A on transcript NM_015570.4 (MANE Select); coding-DNA position 988, G replaced by A.
Protein change: p.Ala330Thr; replaces alanine 330 with threonine.
Molecular consequence: missense variant.
Genome position (GRCh38, 1-based): chr7:70,763,115, G>A. VCF-style: chr7-70763115-G-A. GRCh37 (hg19) VCF-style: chr7-70228101-G-A.
Other names: c.988G>A, p.Ala330Thr (NM_001127231.3); c.988G>A (NM_015570.2); short protein forms A330T.
Identifiers: ClinVar variation 425413 (VCV000425413.43), dbSNP rs1064797335, ClinGen allele CA16621854.

ClinVar aggregate classification (germline): Uncertain significance. Review status: criteria provided, multiple submitters, no conflicts (2 of 4 stars). 2 submissions from 2 submitters: Uncertain significance (2). Last evaluated 2025-03-05.

Submissions (2):

GeneDx
Classification: Uncertain significance. Last evaluated: 2025-03-05. Review status: criteria provided, single submitter. Criteria: GeneDx Variant Classification Process June 2021. Collection method: clinical testing. Allele origin: germline. Affected: yes.
Comment: Has not been previously published as pathogenic or benign to our knowledge; Not observed at significant frequency in large population cohorts (gnomAD); In silico analysis indicates that this missense variant does not alter protein structure/function

CeGaT Center for Human Genetics Tuebingen
Classification: Uncertain significance. Last evaluated: 2017-09-01. Review status: criteria provided, single submitter. Criteria: CeGaT Center For Human Genetics Tuebingen Variant Classification Criteria Version 2. Collection method: clinical testing. Allele origin: germline. Affected: yes. Observed: 1 variant allele.